The following is an entry in ClinVar:

ClinVar aggregate classification (germline): Conflicting classifications of pathogenicity. Review status: criteria provided, conflicting classifications (1 of 4 stars). 4 submissions from 4 submitters: Uncertain significance (2); Likely benign (2). Last evaluated 2025-11-04.

Conditions:
Inborn genetic diseases. Identifiers: MedGen C0950123, MeSH D030342.

Allele frequency attached by ClinVar (database versions not stated): gnomAD 0.00001; ExAC 0.00002; TOPMed 0.00002.
gnomAD v4.1: 32 of 1,613,118 alleles (0.002%); highest among the groups gnomAD compares: Admixed American, 0.01%; no homozygotes.

Submissions (4):

Labcorp Genetics (formerly Invitae), Labcorp
Classification: Uncertain significance. Last evaluated: 2025-11-04. Review status: criteria provided, single submitter. Criteria: Invitae Variant Classification Sherloc (09022015). Collection method: clinical testing. Allele origin: germline.
Comment: This sequence change replaces arginine, which is basic and polar, with serine, which is neutral and polar, at codon 299 of the ETV6 protein (p.Arg299Ser). This variant is present in population databases (rs779994835, gnomAD 0.009%). This variant has not been reported in the literature in individuals affected with ETV6-related conditions. ClinVar contains an entry for this variant (Variation ID: 2663341). Invitae Evidence Modeling of protein sequence and biophysical properties (such as structural, functional, and spatial information, amino acid conservation, physicochemical variation, residue mobility, and thermodynamic stability) indicates that this missense variant is not expected to disrupt ETV6 protein function with a negative predictive value of 80%. In summary, the available evidence is currently insufficient to determine the role of this variant in disease. Therefore, it has been classified as a Variant of Uncertain Significance.

Ambry Genetics
Classification: Likely benign for Inborn genetic diseases. Last evaluated: 2025-06-27. Review status: criteria provided, single submitter. Criteria: Ambry Variant Classification Scheme 2023. Collection method: clinical testing. Allele origin: germline.

GeneDx
Classification: Uncertain significance. Last evaluated: 2024-02-28. Review status: criteria provided, single submitter. Criteria: GeneDx Variant Classification Process June 2021. Collection method: clinical testing. Allele origin: germline.
Comment: In silico analysis supports that this missense variant does not alter protein structure/function; Has not been previously published as pathogenic or benign to our knowledge; This variant is associated with the following publications: (PMID: 28555414, 28637624)

Blueprint Genetics
Classification: Likely benign. Last evaluated: 2022-11-21. Review status: criteria provided, single submitter. Criteria: ACMG Guidelines, 2015. Collection method: clinical testing. Allele origin: germline.

NM_001987.5(ETV6):c.897G>T (p.Arg299Ser)

Gene: ETV6 (ETS variant transcription factor 6; plus strand). Cytogenetic location: 12p13.2.
Variant type: single nucleotide variant.
Coding change: c.897G>T on transcript NM_001987.5 (MANE Select); coding-DNA position 897, G replaced by T.
Protein change: p.Arg299Ser; replaces arginine 299 with serine.
Molecular consequence: missense variant.
Genome position (GRCh38, 1-based): chr12:11,869,857, G>T. VCF-style: chr12-11869857-G-T. GRCh37 (hg19) VCF-style: chr12-12022791-G-T.
Other names: c.894G>T, p.Arg298Ser (NM_001413913.1); c.870G>T, p.Arg290Ser (NM_001413914.1); c.633G>T, p.Arg211Ser (NM_001413915.1); c.897G>T, p.Arg299Ser (NM_001413916.1, NM_001413917.1); short protein forms R211S, R290S, R298S, R299S.
Identifiers: ClinVar variation 2663341 (VCV002663341.7), dbSNP rs779994835, ClinGen allele CA6454353.